The following is an entry in ClinVar:

ClinVar aggregate classification (germline): Uncertain significance (1 of 4 stars; one submission).

Conditions:
Developmental malformations-deafness-dystonia syndrome (DDS1). Identifiers: Orphanet 79107, MedGen C5848323, MONDO:0011823, OMIM 607371.

Submission:

Baylor Genetics
Classification: Uncertain significance for Developmental malformations-deafness-dystonia syndrome. Last evaluated: 2020-09-11. Review status: criteria provided, single submitter. Criteria: ACMG Guidelines, 2015. Collection method: clinical testing. Allele origin: unknown. Affected: yes. Study: CSER-TexasKidsCanSeq.
Comment: This variant was determined to be of uncertain significance according to ACMG Guidelines, 2015 [PMID:25741868]. Predicted loss-of-function (pLoF) variants in ACTB have been reported in patients with a pleiotropic developmental disorder that is distinct from BRWS1 [PMID:29220674]

Literature cited by the submitters: PubMed 29220674.

NM_001101.5(ACTB):c.257G>A (p.Trp86Ter)

Gene: ACTB (actin beta; minus strand). Cytogenetic location: 7p22.1.
Variant type: single nucleotide variant.
Coding change: c.257G>A on transcript NM_001101.5 (MANE Select); coding-DNA position 257, G replaced by A.
Protein change: p.Trp86Ter; replaces tryptophan 86 with a stop codon.
Molecular consequence: nonsense.
Genome position (GRCh38, 1-based): chr7:5,529,267, C>T on the plus strand (G>A on the coding strand, the complement: ACTB is on the minus strand). VCF-style: chr7-5529267-C-T. GRCh37 (hg19) VCF-style: chr7-5568898-C-T.
Other names: short protein forms W86*.
Identifiers: ClinVar variation 998240 (VCV000998240.1), dbSNP rs1784831364, ClinGen allele CA366704590.
Genomic context (GRCh38, chr7:5,529,267, plus strand): 5'-GTCAGCAGCACGGGGTGCTCCTCGGGAGCCACACGCAGCTCATTGTAGAAGGTGTGGTGC[C>T]AGATTTTCTCCATGTCGTCCCAGTTGGTGACGATGCCGTGCTCGATGGGGTACTTCAGGG-3'